The following is an entry in ClinVar:

NM_182961.4(SYNE1):c.1432C>T (p.Pro478Ser)

Gene: SYNE1 (spectrin repeat containing nuclear envelope protein 1; minus strand). Cytogenetic location: 6q25.2.
Variant type: single nucleotide variant.
Coding change: c.1432C>T on transcript NM_182961.4 (MANE Select); coding-DNA position 1432, C replaced by T.
Protein change: p.Pro478Ser; replaces proline 478 with serine.
Molecular consequence: missense variant.
Genome position (GRCh38, 1-based): chr6:152,472,332, G>A on the plus strand (C>T on the coding strand, the complement: SYNE1 is on the minus strand). VCF-style: chr6-152472332-G-A. GRCh37 (hg19) VCF-style: chr6-152793467-G-A.
Other names: c.1453C>T, p.Pro485Ser (NM_033071.5); short protein forms P478S, P485S.
Identifiers: ClinVar variation 1388298 (VCV001388298.6), dbSNP rs756636517, ClinGen allele CA366134003.

ClinVar aggregate classification (germline): Uncertain significance (1 of 4 stars; one submission).

Conditions:
Emery-Dreifuss muscular dystrophy 4, autosomal dominant (EDMD4). Also called: EMERY-DREIFUSS MUSCULAR DYSTROPHY 4 WITH VARIABLE FEATURES. Identifiers: Orphanet 261, MedGen C2751807, MONDO:0013071, OMIM 612998.
Autosomal recessive ataxia, Beauce type. Also called: SYNE1-Related Autosomal Recessive Cerebellar Ataxia; Spinocerebellar ataxia, autosomal recessive 8; ATAXIA, RECESSIVE, OF BEAUCE; SYNE1 Deficiency. Identifiers: Orphanet 88644, MedGen C1853116, MONDO:0012549, OMIM 610743.

gnomAD v4.1: 8 of 1,613,884 alleles (0.0005%); highest among the groups gnomAD compares: Non-Finnish European, 0.00051%; no homozygotes.

Submission:

Labcorp Genetics (formerly Invitae), Labcorp
Classification: Uncertain significance for Emery-Dreifuss muscular dystrophy 4, autosomal dominant; Autosomal recessive ataxia, Beauce type. Last evaluated: 2021-10-23. Review status: criteria provided, single submitter. Criteria: Invitae Variant Classification Sherloc (09022015). Collection method: clinical testing. Allele origin: germline.
Comment: In summary, the available evidence is currently insufficient to determine the role of this variant in disease. Therefore, it has been classified as a Variant of Uncertain Significance. Algorithms developed to predict the effect of missense changes on protein structure and function are either unavailable or do not agree on the potential impact of this missense change (SIFT: "Deleterious"; PolyPhen-2: "Probably Damaging"; Align-GVGD: "Class C0"). This variant has not been reported in the literature in individuals affected with SYNE1-related conditions. This variant is not present in population databases (ExAC no frequency). This sequence change replaces proline with serine at codon 485 of the SYNE1 protein (p.Pro485Ser). The proline residue is highly conserved and there is a moderate physicochemical difference between proline and serine.